The following is an entry in ClinVar:

NM_000038.6(APC):c.3658dup (p.Thr1220fs)

Gene: APC (APC regulator of Wnt signaling pathway; plus strand). Cytogenetic location: 5q22.2.
Variant type: Duplication.
Coding change: c.3658dup on transcript NM_000038.6 (MANE Select); coding-DNA position 3658, one base duplicated (A; older notation c.3658dupA).
Protein change: p.Thr1220fs; shifts the reading frame from threonine 1220.
Molecular consequence: frameshift variant. On other transcripts: non-coding transcript variant (2).
Genome position (GRCh38, 1-based): chr5:112,839,252, A duplicated. VCF-style (leftmost placement, unchanged base first): chr5-112839251-C-CA. GRCh37 (hg19) VCF-style: chr5-112174948-C-CA.
Other names: c.2809dup, p.Thr937fs (NM_001407470.1, NM_001354906.2); c.2506dup, p.Thr836fs (NM_001407471.1, NM_001407472.1); c.3658dup, p.Thr1220fs (NM_001127510.3, NM_001354895.2, NM_001407450.1); c.3604dup, p.Thr1202fs (NM_001127511.3); c.3712dup, p.Thr1238fs (NM_001354896.2, NM_001407447.1, NM_001407448.1 and 1 more transcripts); c.3688dup, p.Thr1230fs (NM_001354897.2); c.3583dup, p.Thr1195fs (NM_001354898.2); c.3574dup, p.Thr1192fs (NM_001354899.2); and 11 more; short protein forms T1195fs, T1210fs, T1060fs, T1129fs, T1213fs, T1230fs, T1238fs, T937fs.
Identifiers: ClinVar variation 4120490 (VCV004120490.1).

ClinVar aggregate classification (germline): Pathogenic (1 of 4 stars; one submission).

Conditions:
Hereditary cancer-predisposing syndrome. Also called: Hereditary neoplastic syndrome; Neoplastic Syndromes, Hereditary; Tumor predisposition; Hereditary Cancer Syndrome. Identifiers: Orphanet 140162, MedGen C0027672, MeSH D009386, MONDO:0015356.

Submission:

Ambry Genetics
Classification: Pathogenic for Hereditary cancer-predisposing syndrome. Last evaluated: 2025-07-14. Review status: criteria provided, single submitter. Criteria: Ambry Variant Classification Scheme 2023. Collection method: clinical testing. Allele origin: germline.
Comment: The c.3658dupA pathogenic mutation, located in coding exon 15 of the APC gene, results from a duplication of A at nucleotide position 3658, causing a translational frameshift with a predicted alternate stop codon (p.T1220Nfs*5). This alteration occurs at the 3' terminus of theAPC gene, is not expected to trigger nonsense-mediated mRNA decay, and impacts the last 57% of the protein. However, premature stop codons are typically deleterious in nature, the impacted region is critical for protein function, and a significant portion of the protein is affected (Ambry internal data). This variant was reported in individual(s) with features consistent with APC-related familial adenomatous polyposis (Ambry internal data). This variant is considered to be rare based on population cohorts in the Genome Aggregation Database (gnomAD). Based on the supporting evidence, this variant is interpreted as a disease-causing mutation.